The following is an entry in ClinVar:

ClinVar aggregate classification (germline): Uncertain significance (1 of 4 stars; one submission).

Conditions:
Neurodevelopmental disorder. Identifiers: MedGen C1535926, MeSH D065886, MONDO:0700092.

Submission:

Laboratory of Human Genetics, Universidade de São Paulo
Classification: Uncertain significance for Neurodevelopmental disorder. Last evaluated: 2025-12-18. Review status: criteria provided, single submitter. Criteria: ACMG Guidelines, 2015. Collection method: research. Allele origin: maternal. Affected: yes.
Comment: Heterozygous variant classified as a variant of uncertain significance according to ACMG/AMP guidelines (PM2, PP3). WAPL has been proposed as a candidate gene for neurodevelopmental disorders (PMID: 30158690).

Exome sequencing performed using the SureSelect Human All Exon V6 kit (Agilent).

NM_015045.5(WAPL):c.2204A>G (p.Asp735Gly)

Gene: WAPL (WAPL cohesin release factor; minus strand). Cytogenetic location: 10q23.2.
Variant type: single nucleotide variant.
Coding change: c.2204A>G on transcript NM_015045.5 (MANE Select); coding-DNA position 2204, A replaced by G.
Protein change: p.Asp735Gly; replaces aspartic acid 735 with glycine.
Molecular consequence: missense variant.
Genome position (GRCh38, 1-based): chr10:86,467,445, T>C on the plus strand (A>G on the coding strand, the complement: WAPL is on the minus strand). VCF-style: chr10-86467445-T-C. GRCh37 (hg19) VCF-style: chr10-88227202-T-C.
Other names: c.2186A>G, p.Asp729Gly (NM_001318328.2); short protein forms D729G, D735G.
Identifiers: ClinVar variation 4681182 (VCV004681182.1).